The following is an entry in ClinVar:

NM_001134363.3(RBM20):c.2835A>G (p.Thr945=)

Gene: RBM20 (RNA binding motif protein 20; plus strand). Cytogenetic location: 10q25.2.
Variant type: single nucleotide variant.
Coding change: c.2835A>G on transcript NM_001134363.3 (MANE Select); coding-DNA position 2835, A replaced by G.
Protein change: p.Thr945=; no amino-acid change (threonine 945 retained).
Molecular consequence: synonymous variant.
Genome position (GRCh38, 1-based): chr10:110,821,454, A>G. VCF-style: chr10-110821454-A-G. GRCh37 (hg19) VCF-style: chr10-112581212-A-G.
Other names: c.2835A>G (LRG_382t1).
Identifiers: ClinVar variation 385100 (VCV000385100.8), dbSNP rs1043106270, ClinGen allele CA16605606.

ClinVar aggregate classification (germline): Likely benign. Review status: criteria provided, multiple submitters, no conflicts (2 of 4 stars). 2 submissions from 2 submitters: Likely benign (2). Last evaluated 2022-05-18.

Conditions:
Dilated cardiomyopathy 1DD (CMD1DD). Identifiers: Orphanet 154, MedGen C2750995, MONDO:0013168, OMIM 613172.

Allele frequency attached by ClinVar (database versions not stated): gnomAD 0.00001.
gnomAD v4.1: 3 of 1,551,676 alleles (0.00019%); highest among the groups gnomAD compares: African/African-American, 0.0014%; no homozygotes.

Submissions (2):

Labcorp Genetics (formerly Invitae), Labcorp
Classification: Likely benign for Dilated cardiomyopathy 1DD. Last evaluated: 2022-05-18. Review status: criteria provided, single submitter. Criteria: Invitae Variant Classification Sherloc (09022015). Collection method: clinical testing. Allele origin: germline.

GeneDx
Classification: Likely benign. Last evaluated: 2016-03-23. Review status: criteria provided, single submitter. Criteria: GeneDx Variant Classification (06012015). Collection method: clinical testing. Allele origin: germline. Affected: yes.
Comment: This variant is considered likely benign or benign based on one or more of the following criteria: it is a conservative change, it occurs at a poorly conserved position in the protein, it is predicted to be benign by multiple in silico algorithms, and/or has population frequency not consistent with disease.